The following is an entry in ClinVar:

NM_020207.7(ERCC6L2):c.728A>G (p.Lys243Arg)

Gene: ERCC6L2 (ERCC excision repair 6 like 2; plus strand). Cytogenetic location: 9q22.32.
Variant type: single nucleotide variant.
Coding change: c.728A>G on transcript NM_020207.7 (MANE Select); coding-DNA position 728, A replaced by G.
Protein change: p.Lys243Arg; replaces lysine 243 with arginine.
Molecular consequence: missense variant. On other transcripts: non-coding transcript variant (1).
Genome position (GRCh38, 1-based): chr9:95,907,211, A>G. VCF-style: chr9-95907211-A-G. GRCh37 (hg19) VCF-style: chr9-98669493-A-G.
Other names: c.728A>G, p.Lys243Arg (NM_001010895.4, NM_001375291.1, NM_001375292.1 and 2 more transcripts); short protein forms K243R.
Identifiers: ClinVar variation 3845908 (VCV003845908.1).

ClinVar aggregate classification (germline): Uncertain significance (1 of 4 stars; one submission).

Conditions:
Inborn genetic diseases. Identifiers: MedGen C0950123, MeSH D030342.

Submission:

Ambry Genetics
Classification: Uncertain significance for Inborn genetic diseases. Last evaluated: 2025-02-02. Review status: criteria provided, single submitter. Criteria: Ambry Variant Classification Scheme 2023. Collection method: clinical testing. Allele origin: germline.
Comment: The p.K243R variant (also known as c.728A>G), located in coding exon 4 of the ERCC6L2 gene, results from an A to G substitution at nucleotide position 728. The lysine at codon 243 is replaced by arginine, an amino acid with highly similar properties. This amino acid position is conserved. In addition, the in silico prediction for this alteration is inconclusive. Based on the available evidence, the clinical significance of this variant remains unclear.